The following is an entry in ClinVar:

ClinVar aggregate classification (germline): Uncertain significance (1 of 4 stars; one submission).

Submission:

Labcorp Genetics (formerly Invitae), Labcorp
Classification: Uncertain significance. Last evaluated: 2023-12-11. Review status: criteria provided, single submitter. Criteria: Invitae Variant Classification Sherloc (09022015). Collection method: clinical testing. Allele origin: germline.
Comment: This variant occurs in a non-coding region of the EYS gene. It does not change the encoded amino acid sequence of the EYS protein. This variant is not present in population databases (gnomAD no frequency). This variant has not been reported in the literature in individuals affected with EYS-related conditions. ClinVar contains an entry for this variant (Variation ID: 1933728). In summary, the available evidence is currently insufficient to determine the role of this variant in disease. Therefore, it has been classified as a Variant of Uncertain Significance.

NM_001142800.2(EYS):c.-198A>G

Gene: EYS (EGF-like photoreceptor maintenance factor; minus strand). Cytogenetic location: 6q12.
Variant type: single nucleotide variant.
Coding change: c.-198A>G on transcript NM_001142800.2 (MANE Select); 198 bases upstream of the start codon, A replaced by G.
Molecular consequence: 5 prime UTR variant.
Genome position (GRCh38, 1-based): chr6:65,495,859, T>C on the plus strand (A>G on the coding strand, the complement: EYS is on the minus strand). VCF-style: chr6-65495859-T-C. GRCh37 (hg19) VCF-style: chr6-66205752-T-C.
Other names: c.-198A>G (NM_001142801.2, NM_001292009.2, NM_198283.2).
Identifiers: ClinVar variation 1933728 (VCV001933728.5), dbSNP rs2533032649, ClinGen allele CA2580075698.
Genomic context (GRCh38, chr6:65,495,859, plus strand): 5'-ATATAGTCACCTGATTCTGAAAAGTTCTGGTTTCATGACATAATTAAGCCAGCAACTTAC[T>C]GCGGTCTTTTGTGTTTTCTCTTTACACCAAGCTTCAATCTAATCAAAACACAGCACAGCC-3'